The following is an entry in ClinVar:

NC_000006.11:g.(?_65622367)_(66115270_?)del

Gene: EYS (eyes shut homolog; minus strand). Cytogenetic location: 6q12.
Variant type: Deletion.
Identifiers: ClinVar variation 2423845 (VCV002423845.2).

ClinVar aggregate classification (germline): Pathogenic (1 of 4 stars; one submission).

Submission:

Labcorp Genetics (formerly Invitae), Labcorp
Classification: Pathogenic. Last evaluated: 2021-11-10. Review status: criteria provided, single submitter. Criteria: Invitae Variant Classification Sherloc (09022015). Collection method: clinical testing. Allele origin: germline.
Comment: This variant is a gross deletion of the genomic region encompassing exon(s) 6-16 of the EYS gene. This variant would be expected to be in-frame, preserving the integrity of the reading frame. This variant has not been reported in the literature in individuals affected with EYS-related conditions. This variant disrupts a region of the EYS protein in which other variant(s) (p.Gly843Glu) have been determined to be pathogenic (PMID: 22302105, 22363543, 29785639, 31814702). This suggests that this is a clinically significant region of the protein, and that variants that disrupt it are likely to be disease-causing. For these reasons, this variant has been classified as Pathogenic.

Literature cited by the submitters: PubMed 22302105; PubMed 22363543; PubMed 29785639; PubMed 31814702.